The following is an entry in ClinVar:

NM_001042492.3(NF1):c.1256C>G (p.Thr419Ser)

Gene: NF1 (neurofibromin 1; plus strand). Cytogenetic location: 17q11.2.
Variant type: single nucleotide variant.
Coding change: c.1256C>G on transcript NM_001042492.3 (MANE Select); coding-DNA position 1256, C replaced by G.
Protein change: p.Thr419Ser; replaces threonine 419 with serine.
Molecular consequence: missense variant.
Genome position (GRCh38, 1-based): chr17:31,201,481, C>G. VCF-style: chr17-31201481-C-G. GRCh37 (hg19) VCF-style: chr17-29528499-C-G.
Other names: c.1256C>G, p.Thr419Ser (NM_000267.4, NM_001128147.3); short protein forms T419S.
Identifiers: ClinVar variation 4752434 (VCV004752434.1).

ClinVar aggregate classification (germline): Uncertain significance (1 of 4 stars; one submission).

Conditions:
Neurofibromatosis, type 1 (NF1). Also called: NEUROFIBROMATOSIS, TYPE I, SOMATIC; Neurofibromatosis, type I; VON RECKLINGHAUSEN DISEASE; Peripheral type neurofibromatosis. Identifiers: Orphanet 636, MedGen C0027831, MONDO:0018975, OMIM 162200. Disease mechanism: loss of function.

Submission:

Labcorp Genetics (formerly Invitae), Labcorp
Classification: Uncertain significance for Neurofibromatosis, type 1. Last evaluated: 2025-08-17. Review status: criteria provided, single submitter. Criteria: Invitae Variant Classification Sherloc (09022015). Collection method: clinical testing. Allele origin: germline.
Comment: This sequence change replaces threonine, which is neutral and polar, with serine, which is neutral and polar, at codon 419 of the NF1 protein (p.Thr419Ser). This variant is not present in population databases (gnomAD no frequency). This variant has not been reported in the literature in individuals affected with NF1-related conditions. Invitae Evidence Modeling of protein sequence and biophysical properties (such as structural, functional, and spatial information, amino acid conservation, physicochemical variation, residue mobility, and thermodynamic stability) indicates that this missense variant is not expected to disrupt NF1 protein function with a negative predictive value of 95%. In summary, the available evidence is currently insufficient to determine the role of this variant in disease. Therefore, it has been classified as a Variant of Uncertain Significance.